The following is an entry in ClinVar:

NM_001009944.3(PKD1):c.7864-21T>C

Gene: PKD1 (polycystin 1, transient receptor potential channel interacting; minus strand). Cytogenetic location: 16p13.3.
Variant type: single nucleotide variant.
Coding change: c.7864-21T>C on transcript NM_001009944.3 (MANE Select); 21 bases into the intron before coding-DNA position 7864, T replaced by C.
Molecular consequence: intron variant.
Genome position (GRCh38, 1-based): chr16:2,105,495, A>G on the plus strand (T>C on the coding strand, the complement: PKD1 is on the minus strand). VCF-style: chr16-2105495-A-G. GRCh37 (hg19) VCF-style: chr16-2155496-A-G.
Other names: c.7864-21T>C (NM_000296.4).
Identifiers: ClinVar variation 4980845 (VCV004980845.1).

ClinVar aggregate classification (germline): Likely benign (1 of 4 stars; one submission).

Conditions:
PKD1-related disorder. Also called: PKD1-related condition.

gnomAD v4.1: 159 of 1,595,266 alleles (0.01%); highest among the groups gnomAD compares: Non-Finnish European, 0.013%; no homozygotes.

Submission:

PreventionGenetics, part of Exact Sciences
Classification: Likely benign for PKD1-related condition. Last evaluated: 2026-02-24. Review status: criteria provided, single submitter. Criteria: ACMG Guidelines, 2015. Collection method: clinical testing. Allele origin: germline.
Comment: This variant is classified as likely benign based on ACMG/AMP sequence variant interpretation guidelines (Richards et al. 2015 PMID: 25741868, with internal and published modifications).